The following is an entry in ClinVar:

ClinVar aggregate classification (germline): Conflicting classifications of pathogenicity. Review status: criteria provided, conflicting classifications (1 of 4 stars). 3 submissions from 2 submitters: Uncertain significance (2); Likely benign (1). Last evaluated 2025-04-22.

Conditions:
Centromeric instability of chromosomes 1,9 and 16 and immunodeficiency (ICF1). Also called: CENTROMERIC INSTABILITY, IMMUNODEFICIENCY SYNDROME; IMMUNE DEFICIENCY, VARIABLE, WITH CENTROMERIC INSTABILITY OF CHROMOSOMES 1, 9, AND 16; IMMUNODEFICIENCY SYNDROME, VARIABLE; Immunodeficiency-centromeric instability-facial anomalies. Identifiers: Orphanet 2268, MedGen C0398788, MONDO:0000133.
Facioscapulohumeral muscular dystrophy 4, digenic. Identifiers: MedGen C5561960, MONDO:0030355, OMIM 619478.
Immunodeficiency-centromeric instability-facial anomalies syndrome 1 (ICF1). Identifiers: Orphanet 2268, MedGen C4551557, MONDO:0009454, OMIM 242860.

Allele frequency attached by ClinVar (database versions not stated): ExAC 0.00001; gnomAD 0.00001; TOPMed 0.00002; gnomAD exomes 0.00003.
gnomAD v4.1: 10 of 1,613,652 alleles (0.00062%); highest among the groups gnomAD compares: Admixed American, 0.017%; no homozygotes.

Submissions (3):

Labcorp Genetics (formerly Invitae), Labcorp
Classification: Likely benign for Centromeric instability of chromosomes 1,9 and 16 and immunodeficiency. Last evaluated: 2025-04-22. Review status: criteria provided, single submitter. Criteria: Invitae Variant Classification Sherloc (09022015). Collection method: clinical testing. Allele origin: germline.

Center for Genomics, Ann and Robert H. Lurie Children's Hospital of Chicago
Classification: Uncertain significance for Immunodeficiency-centromeric instability-facial anomalies syndrome 1. Last evaluated: 2018-08-02. Review status: criteria provided, single submitter. Criteria: ACMG Guidelines, 2015. Collection method: clinical testing. Allele origin: germline.
Comment: DNMT3B NM_006892.3 exon 14 c.1490+8C>T: This variant has not been reported in the literature, but it is present in 6/33558 Latino alleles in the Genome Aggregation Database. Evolutionary conservation and computational predictive tools for this variant are limited or unavailable. This variant is an intronic variant; splice prediction tools suggest that this variant may not affect splicing. However, further studies are needed to understand its impact. In summary, data on this variant are insufficient for disease classification. Therefore, the clinical significance of this variant is uncertain.

Center for Genomics, Ann and Robert H. Lurie Children's Hospital of Chicago
Classification: Uncertain significance for Immunodeficiency-centromeric instability-facial anomalies syndrome 1; Facioscapulohumeral muscular dystrophy 4, digenic. Review status: criteria provided, single submitter. Criteria: ACMG Guidelines, 2015. Collection method: clinical testing. Allele origin: germline.
Comment: the same text as in the submission from Center for Genomics, Ann and Robert H. Lurie Children's Hospital of Chicago above.

NM_006892.4(DNMT3B):c.1490+8C>G

Gene: DNMT3B (DNA methyltransferase 3 beta; plus strand). Cytogenetic location: 20q11.21.
Variant type: single nucleotide variant.
Coding change: c.1490+8C>G on transcript NM_006892.4 (MANE Select); 8 bases into the intron after coding-DNA position 1490, C replaced by G.
Molecular consequence: intron variant.
Genome position (GRCh38, 1-based): chr20:32,797,307, C>G. VCF-style: chr20-32797307-C-G. GRCh37 (hg19) VCF-style: chr20-31385113-C-G.
Other names: c.1430+8C>G (NM_175848.2, NM_175849.2); c.1304+8C>G (NM_001207055.2); c.1202+8C>G (NM_001207056.2); c.1466+8C>G (NM_175850.3).
Identifiers: ClinVar variation 626095 (VCV000626095.6), dbSNP rs746731138, ClinGen allele CA9810602.